The following is an entry in ClinVar:

NM_000127.3(EXT1):c.252G>C (p.Gln84His)

Gene: EXT1 (exostosin glycosyltransferase 1; minus strand). Cytogenetic location: 8q24.11.
Variant type: single nucleotide variant.
Coding change: c.252G>C on transcript NM_000127.3 (MANE Select); coding-DNA position 252, G replaced by C.
Protein change: p.Gln84His; replaces glutamine 84 with histidine.
Molecular consequence: missense variant.
Genome position (GRCh38, 1-based): chr8:118,110,795, C>G on the plus strand (G>C on the coding strand, the complement: EXT1 is on the minus strand). VCF-style: chr8-118110795-C-G. GRCh37 (hg19) VCF-style: chr8-119123034-C-G.
Other names: c.252G>C (NM_000127.2); short protein forms Q84H.
Identifiers: ClinVar variation 1051518 (VCV001051518.11), dbSNP rs376231630, ClinGen allele CA4854386.

ClinVar aggregate classification (germline): Uncertain significance. Review status: criteria provided, multiple submitters, no conflicts (2 of 4 stars). 3 submissions from 3 submitters: Uncertain significance (3). Last evaluated 2023-12-18.

Conditions:
Multiple congenital exostosis (EXT). Also called: Hereditary multiple osteochondromas; Hereditary multiple exostoses; Hereditary multiple exostosis; MULTIPLE CARTILAGINOUS EXOSTOSES; Multiple osteochondromas; Multiple exostoses. Identifiers: Orphanet 321, MedGen C0015306, MONDO:0005508, HP:0002762.
Inborn genetic diseases. Identifiers: MedGen C0950123, MeSH D030342.
Chondrosarcoma. Also called: Chondrosarcoma, somatic. Identifiers: Orphanet 55880, MedGen C0008479, MONDO:0008977, OMIM 215300, HP:0006765.

Allele frequency attached by ClinVar (database versions not stated): ExAC 0.00001; gnomAD 0.00001; gnomAD exomes 0.00001 and 0.00003; TOPMed 0.00001; ESP Exome Variant Server 0.00008.
gnomAD v4.1: 42 of 1,613,508 alleles (0.0026%); highest among the groups gnomAD compares: Non-Finnish European, 0.0035%; no homozygotes.

Submissions (3):

Ambry Genetics
Classification: Uncertain significance for Inborn genetic diseases. Last evaluated: 2023-12-18. Review status: criteria provided, single submitter. Criteria: Ambry Variant Classification Scheme 2023. Collection method: clinical testing. Allele origin: germline.

Baylor Genetics
Classification: Uncertain significance for Chondrosarcoma. Last evaluated: 2023-07-07. Review status: criteria provided, single submitter. Criteria: ACMG Guidelines, 2015. Collection method: clinical testing. Allele origin: unknown.

Labcorp Genetics (formerly Invitae), Labcorp
Classification: Uncertain significance for Multiple congenital exostosis. Last evaluated: 2022-09-09. Review status: criteria provided, single submitter. Criteria: Invitae Variant Classification Sherloc (09022015). Collection method: clinical testing. Allele origin: germline.
Comment: In summary, the available evidence is currently insufficient to determine the role of this variant in disease. Therefore, it has been classified as a Variant of Uncertain Significance. Advanced modeling of protein sequence and biophysical properties (such as structural, functional, and spatial information, amino acid conservation, physicochemical variation, residue mobility, and thermodynamic stability) performed at Invitae indicates that this missense variant is not expected to disrupt EXT1 protein function. ClinVar contains an entry for this variant (Variation ID: 1051518). This variant has not been reported in the literature in individuals affected with EXT1-related conditions. This variant is present in population databases (rs376231630, gnomAD 0.003%). This sequence change replaces glutamine, which is neutral and polar, with histidine, which is basic and polar, at codon 84 of the EXT1 protein (p.Gln84His).